The following is an entry in ClinVar:

ClinVar aggregate classification (germline): Uncertain significance (1 of 4 stars; one submission).

Conditions:
Joubert syndrome. Also called: Familial aplasia of the vermis; CEREBELLOPARENCHYMAL DISORDER IV; JOUBERT-BOLTSHAUSER SYNDROME. Identifiers: Orphanet 475, MedGen C5979921, MONDO:0018772.
Meckel-Gruber syndrome. Also called: Dysencephalia splachnocystica; DYSENCEPHALIA SPLANCHNOCYSTICA; GRUBER SYNDROME. Identifiers: Orphanet 564, MedGen C0265215, MONDO:0018921.
Nephronophthisis. Also called: Juvenile Nephronophthisis. Identifiers: Orphanet 655, MedGen C0687120, MONDO:0019005, HP:0000090.

Submission:

Labcorp Genetics (formerly Invitae), Labcorp
Classification: Uncertain significance for Joubert syndrome; Meckel-Gruber syndrome; Nephronophthisis. Last evaluated: 2020-08-21. Review status: criteria provided, single submitter. Criteria: Invitae Variant Classification Sherloc (09022015). Collection method: clinical testing. Allele origin: germline.
Comment: This sequence change replaces alanine with valine at codon 867 of the CEP290 protein (p.Ala867Val). The alanine residue is moderately conserved and there is a small physicochemical difference between alanine and valine. This variant is not present in population databases (ExAC no frequency). This variant has not been reported in the literature in individuals with CEP290-related conditions. Algorithms developed to predict the effect of missense changes on protein structure and function output the following: SIFT: "Deleterious"; PolyPhen-2: "Benign"; Align-GVGD: "Class C0". The valine amino acid residue is found in multiple mammalian species, suggesting that this missense change does not adversely affect protein function. These predictions have not been confirmed by published functional studies and their clinical significance is uncertain. In summary, the available evidence is currently insufficient to determine the role of this variant in disease. Therefore, it has been classified as a Variant of Uncertain Significance.

NM_025114.4(CEP290):c.2600C>T (p.Ala867Val)

Gene: CEP290 (centrosomal protein 290; minus strand). Cytogenetic location: 12q21.32.
Variant type: single nucleotide variant.
Coding change: c.2600C>T on transcript NM_025114.4 (MANE Select); coding-DNA position 2600, C replaced by T.
Protein change: p.Ala867Val; replaces alanine 867 with valine.
Molecular consequence: missense variant.
Genome position (GRCh38, 1-based): chr12:88,106,892, G>A on the plus strand (C>T on the coding strand, the complement: CEP290 is on the minus strand). VCF-style: chr12-88106892-G-A. GRCh37 (hg19) VCF-style: chr12-88500669-G-A.
Other names: short protein forms A867V.
Identifiers: ClinVar variation 1019169 (VCV001019169.9), dbSNP rs2038321746, ClinGen allele CA385971596.